The following is an entry in ClinVar:

NM_144997.7(FLCN):c.554C>G (p.Ser185Cys)

Gene: FLCN (folliculin; minus strand). Cytogenetic location: 17p11.2.
Variant type: single nucleotide variant.
Coding change: c.554C>G on transcript NM_144997.7 (MANE Select); coding-DNA position 554, C replaced by G.
Protein change: p.Ser185Cys; replaces serine 185 with cysteine.
Molecular consequence: missense variant.
Genome position (GRCh38, 1-based): chr17:17,223,986, G>C on the plus strand (C>G on the coding strand, the complement: FLCN is on the minus strand). VCF-style: chr17-17223986-G-C. GRCh37 (hg19) VCF-style: chr17-17127300-G-C.
Other names: c.608C>G, p.Ser203Cys (NM_001353229.2); c.554C>G, p.Ser185Cys (NM_001353230.2, NM_001353231.2, NM_144606.7); short protein forms S185C, S203C.
Identifiers: ClinVar variation 2451837 (VCV002451837.3), dbSNP rs1567819679, ClinGen allele CA398534299.

ClinVar aggregate classification (germline): Uncertain significance. Review status: criteria provided, multiple submitters, no conflicts (2 of 4 stars). 2 submissions from 2 submitters: Uncertain significance (2). Last evaluated 2026-01-06.

Conditions:
Hereditary cancer-predisposing syndrome. Also called: Hereditary neoplastic syndrome; Tumor predisposition; Neoplastic Syndromes, Hereditary; Hereditary Cancer Syndrome. Identifiers: Orphanet 140162, MedGen C0027672, MeSH D009386, MONDO:0015356.
Birt-Hogg-Dube syndrome. Also called: Birt Hogg Dubé syndrome. Identifiers: Orphanet 122, MedGen C0346010, MONDO:0800444.

Submissions (2):

Labcorp Genetics (formerly Invitae), Labcorp
Classification: Uncertain significance for Birt-Hogg-Dube syndrome. Last evaluated: 2026-01-06. Review status: criteria provided, single submitter. Criteria: Invitae Variant Classification Sherloc (09022015). Collection method: clinical testing. Allele origin: germline.
Comment: This sequence change replaces serine, which is neutral and polar, with cysteine, which is neutral and slightly polar, at codon 185 of the FLCN protein (p.Ser185Cys). This variant is not present in population databases (gnomAD no frequency). This variant has not been reported in the literature in individuals affected with FLCN-related conditions. ClinVar contains an entry for this variant (Variation ID: 2451837). Invitae Evidence Modeling of protein sequence and biophysical properties (such as structural, functional, and spatial information, amino acid conservation, physicochemical variation, residue mobility, and thermodynamic stability) indicates that this missense variant is expected to disrupt FLCN protein function with a positive predictive value of 80%. In summary, the available evidence is currently insufficient to determine the role of this variant in disease. Therefore, it has been classified as a Variant of Uncertain Significance.

Ambry Genetics
Classification: Uncertain significance for Hereditary cancer-predisposing syndrome. Last evaluated: 2023-02-10. Review status: criteria provided, single submitter. Criteria: Ambry Variant Classification Scheme 2023. Collection method: clinical testing. Allele origin: germline.
Comment: The p.S185C variant (also known as c.554C>G), located in coding exon 3 of the FLCN gene, results from a C to G substitution at nucleotide position 554. The serine at codon 185 is replaced by cysteine, an amino acid with dissimilar properties. This amino acid position is conserved. In addition, this alteration is predicted to be deleterious by in silico analysis. Since supporting evidence is limited at this time, the clinical significance of this alteration remains unclear.